The following is an entry in ClinVar:

NM_004370.6(COL12A1):c.155T>C (p.Ile52Thr)

Gene: COL12A1 (collagen type XII alpha 1 chain; minus strand). Cytogenetic location: 6q13.
Variant type: single nucleotide variant.
Coding change: c.155T>C on transcript NM_004370.6 (MANE Select); coding-DNA position 155, T replaced by C.
Protein change: p.Ile52Thr; replaces isoleucine 52 with threonine.
Molecular consequence: missense variant. On other transcripts: intron variant (1).
Genome position (GRCh38, 1-based): chr6:75,194,866, A>G on the plus strand (T>C on the coding strand, the complement: COL12A1 is on the minus strand). VCF-style: chr6-75194866-A-G. GRCh37 (hg19) VCF-style: chr6-75904582-A-G.
Other names: c.73+7854T>C (NM_080645.3); short protein forms I52T.
Identifiers: ClinVar variation 1471919 (VCV001471919.8), dbSNP rs1770137078, ClinGen allele CA364731920.

ClinVar aggregate classification (germline): Uncertain significance (1 of 4 stars; one submission).

Conditions:
Bethlem myopathy 2 (BTHLM2). Identifiers: Orphanet 536516, Orphanet 610, MedGen C4225313, MONDO:0034022, OMIM 616471.
Ullrich congenital muscular dystrophy 2 (UCMD2). Identifiers: Orphanet 75840, MedGen C4225314, MONDO:0014654, OMIM 616470.

Allele frequency attached by ClinVar (database versions not stated): gnomAD exomes below 0.00001.

Submission:

Labcorp Genetics (formerly Invitae), Labcorp
Classification: Uncertain significance for Bethlem myopathy 2; Ullrich congenital muscular dystrophy 2. Last evaluated: 2021-08-03. Review status: criteria provided, single submitter. Criteria: Invitae Variant Classification Sherloc (09022015). Collection method: clinical testing. Allele origin: germline.
Comment: In summary, the available evidence is currently insufficient to determine the role of this variant in disease. Therefore, it has been classified as a Variant of Uncertain Significance. Algorithms developed to predict the effect of missense changes on protein structure and function are either unavailable or do not agree on the potential impact of this missense change (SIFT: "Deleterious"; PolyPhen-2: "Probably Damaging"; Align-GVGD: "Class C0"). This variant has not been reported in the literature in individuals with COL12A1-related conditions. This variant is not present in population databases (ExAC no frequency). This sequence change replaces isoleucine with threonine at codon 52 of the COL12A1 protein (p.Ile52Thr). The isoleucine residue is moderately conserved and there is a moderate physicochemical difference between isoleucine and threonine.